The following is an entry in ClinVar:

ClinVar aggregate classification (germline): Conflicting classifications of pathogenicity. Review status: criteria provided, conflicting classifications (1 of 4 stars). 2 submissions from 2 submitters: Uncertain significance (1); Likely benign (1). Last evaluated 2025-07-07.

Conditions:
TTN-related disorder. Also called: TTN-related disorders; TTN-related condition; TTN-related disease.

Allele frequency attached by ClinVar (database versions not stated): gnomAD exomes 0.00001; ExAC 0.00002; gnomAD 0.00005 and 0.00006; TOPMed 0.00007.
gnomAD v4.1: 16 of 1,612,710 alleles (0.00099%); highest among the groups gnomAD compares: African/African-American, 0.021%; no homozygotes.

Submissions (2):

PreventionGenetics, part of Exact Sciences
Classification: Uncertain significance for TTN-related condition. Last evaluated: 2025-07-07. Review status: criteria provided, single submitter. Criteria: ACMG Guidelines, 2015. Collection method: clinical testing. Allele origin: germline.
Comment: The TTN c.31740G>T variant is predicted to result in the amino acid substitution p.Lys10580Asn. To our knowledge, this variant has not been reported in the literature. This variant is reported in 0.025% of alleles in individuals of African descent in gnomAD. At this time, the clinical significance of this variant is uncertain due to the absence of conclusive functional and genetic evidence.

GeneDx
Classification: Likely benign. Last evaluated: 2020-12-11. Review status: criteria provided, single submitter. Criteria: GeneDx Variant Classification Process June 2021. Collection method: clinical testing. Allele origin: germline. Affected: yes.

NM_001267550.2(TTN):c.31740G>T (p.Lys10580Asn)

Gene: TTN (titin; minus strand). Cytogenetic location: 2q31.2.
Variant type: single nucleotide variant.
Coding change: c.31740G>T on transcript NM_001267550.2 (MANE Select); coding-DNA position 31740, G replaced by T.
Protein change: p.Lys10580Asn; replaces lysine 10580 with asparagine.
Molecular consequence: missense variant. On other transcripts: intron variant (3).
Genome position (GRCh38, 1-based): chr2:178,692,038, C>A on the plus strand (G>T on the coding strand, the complement: TTN is on the minus strand). VCF-style: chr2-178692038-C-A. GRCh37 (hg19) VCF-style: chr2-179556765-C-A.
Other names: c.30789G>T, p.Lys10263Asn (NM_001256850.1); c.28008G>T, p.Lys9336Asn (NM_133378.4); c.13282+46044G>T (NM_003319.4); c.13858+46044G>T (NM_133437.4); c.13657+46044G>T (NM_133432.3); short protein forms K10263N, K10580N, K9336N.
Identifiers: ClinVar variation 1194702 (VCV001194702.3), dbSNP rs772850520, ClinGen allele CA1998866.